The following is an entry in ClinVar:

NM_005120.3(MED12):c.126_131del (p.Lys42_Gly44delinsAsn)

Gene: MED12 (mediator complex subunit 12; plus strand). Cytogenetic location: Xq13.1.
Variant type: Deletion.
Coding change: c.126_131del on transcript NM_005120.3 (MANE Select); coding-DNA positions 126 to 131, 6 bases deleted (ACAAGG; older notation c.126_131delACAAGG).
Protein change: p.Lys42_Gly44delinsAsn.
Molecular consequence: inframe indel.
Genome position (GRCh38, 1-based): chrX:71,119,399-71,119,404, ACAAGG deleted. VCF-style (leftmost placement, unchanged base first): chrX-71119398-AACAAGG-A. GRCh37 (hg19) VCF-style: chrX-70339248-AACAAGG-A.
Identifiers: ClinVar variation 92212 (VCV000092212.2), dbSNP rs199469689, ClinGen allele CA145553.
Genomic context (GRCh38, chrX:71,119,398, plus strand): 5'-GGAAAAAACAACTAAACGCCGCTTTCCTGCCTCAGGATGAACTGACGGCCTTGAATGTAA[AACAAGG>A]TTTCAATAACCAGCCTGCTGTCTCTGGGGATGAGCATGGCAGTGCCAAGAACGTCAGCTT-3'

ClinVar aggregate classification (germline): not provided (0 of 4 stars; one submission).

Conditions:
Uterine leiomyoma (UL). Also called: Uterine corpus leiomyoma. Identifiers: MedGen C0042133, MONDO:0007886, OMIM 150699, HP:0000131.

Allele frequency attached by ClinVar (database versions not stated): gnomAD 0.00001.

Submission:

Rajkovic Lab, University of Pittsburgh
No classification provided. Condition: Leiomyoma, uterine. Review status: no classification provided. Collection method: not provided. Allele origin: somatic.
ClinVar note: Converted during submission from Associated with leiomyomas to not provided.